The following is an entry in ClinVar:

ClinVar aggregate classification (germline): Uncertain significance. Review status: criteria provided, multiple submitters, no conflicts (2 of 4 stars). 2 submissions from 2 submitters: Uncertain significance (2). Last evaluated 2024-10-04.

Allele frequency attached by ClinVar (database versions not stated): gnomAD 0.00001; gnomAD exomes 0.00002; TOPMed 0.00002; ESP Exome Variant Server 0.00008.
gnomAD v4.1: 36 of 1,614,034 alleles (0.0022%); highest among the groups gnomAD compares: Non-Finnish European, 0.0031%; no homozygotes.

Submissions (2):

Ambry Genetics
Classification: Uncertain significance. Last evaluated: 2024-10-04. Review status: criteria provided, single submitter. Criteria: Ambry Variant Classification Scheme 2023. Collection method: clinical testing. Allele origin: germline.

Labcorp Genetics (formerly Invitae), Labcorp
Classification: Uncertain significance. Last evaluated: 2023-05-19. Review status: criteria provided, single submitter. Criteria: Invitae Variant Classification Sherloc (09022015). Collection method: clinical testing. Allele origin: germline.
Comment: In summary, the available evidence is currently insufficient to determine the role of this variant in disease. Therefore, it has been classified as a Variant of Uncertain Significance. An algorithm developed to predict the effect of missense changes on protein structure and function (PolyPhen-2) suggests that this variant is likely to be tolerated. This variant has not been reported in the literature in individuals affected with KIF20A-related conditions. The frequency data for this variant in the population databases is considered unreliable, as metrics indicate poor data quality at this position in the gnomAD database. This sequence change replaces asparagine, which is neutral and polar, with aspartic acid, which is acidic and polar, at codon 594 of the KIF20A protein (p.Asn594Asp).

NM_005733.3(KIF20A):c.1780A>G (p.Asn594Asp)

Gene: KIF20A (kinesin family member 20A; plus strand). Cytogenetic location: 5q31.2.
Variant type: single nucleotide variant.
Coding change: c.1780A>G on transcript NM_005733.3 (MANE Select); coding-DNA position 1780, A replaced by G.
Protein change: p.Asn594Asp; replaces asparagine 594 with aspartic acid.
Molecular consequence: missense variant.
Genome position (GRCh38, 1-based): chr5:138,184,903, A>G. VCF-style: chr5-138184903-A-G. GRCh37 (hg19) VCF-style: chr5-137520592-A-G.
Other names: c.1780A>G (NM_005733.2); short protein forms N594D.
Identifiers: ClinVar variation 2974450 (VCV002974450.4), dbSNP rs138366667, ClinGen allele CA128186474.